The following is an entry in ClinVar:

NM_001101362.3(KBTBD13):c.692A>G (p.Tyr231Cys)

Gene: KBTBD13 (kelch repeat and BTB domain containing 13; plus strand). Cytogenetic location: 15q22.31.
Variant type: single nucleotide variant.
Coding change: c.692A>G on transcript NM_001101362.3 (MANE Select); coding-DNA position 692, A replaced by G.
Protein change: p.Tyr231Cys; replaces tyrosine 231 with cysteine.
Molecular consequence: missense variant.
Genome position (GRCh38, 1-based): chr15:65,077,507, A>G. VCF-style: chr15-65077507-A-G. GRCh37 (hg19) VCF-style: chr15-65369845-A-G.
Other names: short protein forms Y231C.
Identifiers: ClinVar variation 4809990 (VCV004809990.1).

ClinVar aggregate classification (germline): Uncertain significance (1 of 4 stars; one submission).

Conditions:
Nemaline myopathy 6 (NEM6). Also called: Nemaline myopathy 6, autosomal dominant. Identifiers: Orphanet 171439, MedGen C1836472, MONDO:0012237, OMIM 609273.

Submission:

Labcorp Genetics (formerly Invitae), Labcorp
Classification: Uncertain significance for Nemaline myopathy 6. Last evaluated: 2025-04-30. Review status: criteria provided, single submitter. Criteria: Invitae Variant Classification Sherloc (09022015). Collection method: clinical testing. Allele origin: germline.
Comment: This sequence change replaces tyrosine, which is neutral and polar, with cysteine, which is neutral and slightly polar, at codon 231 of the KBTBD13 protein (p.Tyr231Cys). This variant is present in population databases (rs746972923, gnomAD 0.004%). This variant has not been reported in the literature in individuals affected with KBTBD13-related conditions. Invitae Evidence Modeling of protein sequence and biophysical properties (such as structural, functional, and spatial information, amino acid conservation, physicochemical variation, residue mobility, and thermodynamic stability) indicates that this missense variant is expected to disrupt KBTBD13 protein function with a positive predictive value of 80%. In summary, the available evidence is currently insufficient to determine the role of this variant in disease. Therefore, it has been classified as a Variant of Uncertain Significance.